The following is an entry in ClinVar:

NM_001012759.3(CTU2):c.1345T>G (p.Cys449Gly)

Gene: CTU2 (cytosolic thiouridylase subunit 2; plus strand). Cytogenetic location: 16q24.3.
Variant type: single nucleotide variant.
Coding change: c.1345T>G on transcript NM_001012759.3 (MANE Select); coding-DNA position 1345, T replaced by G.
Protein change: p.Cys449Gly; replaces cysteine 449 with glycine.
Molecular consequence: missense variant.
Genome position (GRCh38, 1-based): chr16:88,714,730, T>G. VCF-style: chr16-88714730-T-G. GRCh37 (hg19) VCF-style: chr16-88781138-T-G.
Other names: c.1345T>G, p.Cys449Gly (NM_001012762.3); c.1558T>G, p.Cys520Gly (NM_001318507.2); c.1084T>G, p.Cys362Gly (NM_001318513.2); short protein forms C362G, C449G, C520G.
Identifiers: ClinVar variation 2662915 (VCV002662915.1), dbSNP rs777512015, ClinGen allele CA8231025.
Genomic context (GRCh38, chr16:88,714,730, plus strand): 5'-CCCCCGGGGCCCTGCTGTTCTCCAGGGGTGGGCTGGGCCCAGCGCTGTGGCCAGGGGGCC[T>G]GCAGGAGGTGAGTCCCTGTCCCTGCCACCCATGGCCAGCTGCATGGGGCGGGAGGGGGAC-3'
Protein context (NP_001012777.1, residues 439-459): GWAQRCGQGA[Cys449Gly]RREDPQACIE

ClinVar aggregate classification (germline): Uncertain significance (1 of 4 stars; one submission).

gnomAD v4.1: 4 of 1,607,326 alleles (0.00025%); highest among the groups gnomAD compares: Non-Finnish European, 0.00025%; no homozygotes.

Submission:

GeneDx
Classification: Uncertain significance. Last evaluated: 2023-05-04. Review status: criteria provided, single submitter. Criteria: GeneDx Variant Classification Process June 2021. Collection method: clinical testing. Allele origin: germline. Affected: yes.
Comment: Not observed at significant frequency in large population cohorts (gnomAD); In silico analysis supports that this missense variant has a deleterious effect on protein structure/function; Has not been previously published as pathogenic or benign to our knowledge